The following is an entry in ClinVar:

NM_002775.5(HTRA1):c.74C>T (p.Ser25Phe)

Gene: HTRA1 (HtrA serine peptidase 1; plus strand). Cytogenetic location: 10q26.13.
Variant type: single nucleotide variant.
Coding change: c.74C>T on transcript NM_002775.5 (MANE Select); coding-DNA position 74, C replaced by T.
Protein change: p.Ser25Phe; replaces serine 25 with phenylalanine.
Molecular consequence: missense variant.
Genome position (GRCh38, 1-based): chr10:122,461,726, C>T. VCF-style: chr10-122461726-C-T. GRCh37 (hg19) VCF-style: chr10-124221242-C-T.
Other names: short protein forms S25F.
Identifiers: ClinVar variation 2578176 (VCV002578176.1), dbSNP rs1354122621, ClinGen allele CA378605372.
Genomic context (GRCh38, chr10:122,461,726, plus strand): 5'-GCGCCGCTCTTCTCCCGCTGCTGCTGCTGCTGCTGGCGGCGCCCGCCTCGGCGCAGCTGT[C>T]CCGGGCCGGCCGCTCGGCGCCTTTGGCCGCCGGGTGCCCAGACCGCTGCGAGCCGGCGCG-3'
Protein context (NP_002766.1, residues 15-35): LLAAPASAQL[Ser25Phe]RAGRSAPLAA

ClinVar aggregate classification (germline): Uncertain significance (1 of 4 stars; one submission).

gnomAD v4.1: 4 of 1,183,680 alleles (0.00034%); highest among the groups gnomAD compares: Non-Finnish European, 0.00042%; no homozygotes.

Submission:

GeneDx
Classification: Uncertain significance. Last evaluated: 2023-03-03. Review status: criteria provided, single submitter. Criteria: GeneDx Variant Classification Process June 2021. Collection method: clinical testing. Allele origin: germline. Affected: yes.
Comment: Not observed at significant frequency in large population cohorts (gnomAD); In silico analysis supports that this missense variant does not alter protein structure/function; Has not been previously published as pathogenic or benign to our knowledge